The following is an entry in ClinVar:

ClinVar aggregate classification (germline): Uncertain significance. Review status: criteria provided, multiple submitters, no conflicts (2 of 4 stars). 2 submissions from 2 submitters: Uncertain significance (2). Last evaluated 2025-02-02.

Conditions:
Familial sleep-related hypermotor epilepsy. Also called: Autosomal Dominant Sleep-Related Hypermotor (Hyperkinetic) Epilepsy. Identifiers: Orphanet 98784, MedGen C3696898, MONDO:0000030.

gnomAD v4.1: 2 of 1,614,244 alleles (0.00012%); highest among the groups gnomAD compares: Non-Finnish European, 0.00017%; no homozygotes.

Submissions (2):

Labcorp Genetics (formerly Invitae), Labcorp
Classification: Uncertain significance. Last evaluated: 2025-02-02. Review status: criteria provided, single submitter. Criteria: Invitae Variant Classification Sherloc (09022015). Collection method: clinical testing. Allele origin: germline.
Comment: This sequence change replaces cysteine, which is neutral and slightly polar, with arginine, which is basic and polar, at codon 269 of the CHRNB2 protein (p.Cys269Arg). This variant is not present in population databases (gnomAD no frequency). This variant has not been reported in the literature in individuals affected with CHRNB2-related conditions. ClinVar contains an entry for this variant (Variation ID: 3359604). Invitae Evidence Modeling of protein sequence and biophysical properties (such as structural, functional, and spatial information, amino acid conservation, physicochemical variation, residue mobility, and thermodynamic stability) indicates that this missense variant is expected to disrupt CHRNB2 protein function with a positive predictive value of 80%. In summary, the available evidence is currently insufficient to determine the role of this variant in disease. Therefore, it has been classified as a Variant of Uncertain Significance.

GeneDx
Classification: Uncertain significance. Last evaluated: 2023-06-08. Review status: criteria provided, single submitter. Criteria: GeneDx Variant Classification Process June 2021. Collection method: clinical testing. Allele origin: germline. Affected: yes.
Comment: Not observed at significant frequency in large population cohorts (gnomAD); In silico analysis supports that this missense variant has a deleterious effect on protein structure/function; Has not been previously published as pathogenic or benign to our knowledge

NM_000748.3(CHRNB2):c.805T>C (p.Cys269Arg)

Gene: CHRNB2 (cholinergic receptor nicotinic beta 2 subunit; plus strand). Cytogenetic location: 1q21.3.
Variant type: single nucleotide variant.
Coding change: c.805T>C on transcript NM_000748.3 (MANE Select); coding-DNA position 805, T replaced by C.
Protein change: p.Cys269Arg; replaces cysteine 269 with arginine.
Molecular consequence: missense variant.
Genome position (GRCh38, 1-based): chr1:154,571,628, T>C. VCF-style: chr1-154571628-T-C. GRCh37 (hg19) VCF-style: chr1-154544104-T-C.
Other names: short protein forms C269R.
Identifiers: ClinVar variation 3359604 (VCV003359604.3).
Genomic context (GRCh38, chr1:154,571,628, plus strand): 5'-ACCTCGCTAGCCATCCTTGTCTTCTACCTGCCATCCGACTGTGGCGAGAAGATGACGTTG[T>C]GCATCTCAGTGCTGCTGGCGCTCACGGTCTTCCTGCTGCTCATCTCCAAGATCGTGCCTC-3'
Protein context (NP_000739.1, residues 259-279): PSDCGEKMTL[Cys269Arg]ISVLLALTVF